The following is an entry in ClinVar:

NM_198271.5(LMOD3):c.575C>T (p.Thr192Ile)

Gene: LMOD3 (leiomodin 3; minus strand). Cytogenetic location: 3p14.1.
Variant type: single nucleotide variant.
Coding change: c.575C>T on transcript NM_198271.5 (MANE Select); coding-DNA position 575, C replaced by T.
Protein change: p.Thr192Ile; replaces threonine 192 with isoleucine.
Molecular consequence: missense variant.
Genome position (GRCh38, 1-based): chr3:69,119,780, G>A on the plus strand (C>T on the coding strand, the complement: LMOD3 is on the minus strand). VCF-style: chr3-69119780-G-A. GRCh37 (hg19) VCF-style: chr3-69168931-G-A.
Other names: c.575C>T, p.Thr192Ile (NM_001304418.3); short protein forms T192I.
Identifiers: ClinVar variation 1412605 (VCV001412605.9), dbSNP rs1408867451, ClinGen allele CA353475874.

ClinVar aggregate classification (germline): Conflicting classifications of pathogenicity. Review status: criteria provided, conflicting classifications (1 of 4 stars). 2 submissions from 2 submitters: Uncertain significance (1); Likely benign (1). Last evaluated 2024-09-10.

Conditions:
Nemaline myopathy 10 (NEM10). Identifiers: MedGen C4015360, MONDO:0014513, OMIM 616165.

Allele frequency attached by ClinVar (database versions not stated): gnomAD 0.00001; gnomAD exomes 0.00001.
gnomAD v4.1: 10 of 1,611,498 alleles (0.00062%); highest among the groups gnomAD compares: Non-Finnish European, 0.00076%; no homozygotes.

Submissions (2):

Blueprint Genetics
Classification: Likely benign. Last evaluated: 2024-09-10. Review status: criteria provided, single submitter. Criteria: ACMG Guidelines, 2015. Collection method: clinical testing. Allele origin: germline.

Labcorp Genetics (formerly Invitae), Labcorp
Classification: Uncertain significance for Nemaline myopathy 10. Last evaluated: 2021-06-30. Review status: criteria provided, single submitter. Criteria: Invitae Variant Classification Sherloc (09022015). Collection method: clinical testing. Allele origin: germline.
Comment: This variant is not present in population databases (ExAC no frequency). This variant has not been reported in the literature in individuals affected with LMOD3-related conditions. Algorithms developed to predict the effect of missense changes on protein structure and function output the following: SIFT: "Deleterious"; PolyPhen-2: "Benign"; Align-GVGD: "Class C0". The isoleucine amino acid residue is found in multiple mammalian species, which suggests that this missense change does not adversely affect protein function. In summary, the available evidence is currently insufficient to determine the role of this variant in disease. Therefore, it has been classified as a Variant of Uncertain Significance. This sequence change replaces threonine with isoleucine at codon 192 of the LMOD3 protein (p.Thr192Ile). The threonine residue is weakly conserved and there is a moderate physicochemical difference between threonine and isoleucine.